The following is an entry in ClinVar:

ClinVar aggregate classification (germline): Pathogenic (1 of 4 stars; one submission).

Conditions:
Metachromatic leukodystrophy (MLD). Also called: ARSA DEFICIENCY; CEREBROSIDE SULFATASE DEFICIENCY; METACHROMATIC LEUKOENCEPHALOPATHY; SULFATIDE LIPIDOSIS; Cerebral sclerosis diffuse metachromatic form; Arylsulfatase A Deficiency. Identifiers: Orphanet 512, MedGen C0023522, MONDO:0018868, OMIM 250100.

Submission:

Natera, Inc.
Classification: Pathogenic for Metachromatic leukodystrophy. Last evaluated: 2025-03-30. Review status: criteria provided, single submitter. Criteria: Natera Variant Classification Schema (03/2026). Collection method: clinical testing. Allele origin: germline.
Comment: The c.979+2T>C variant in ARSA is a canonical splice donor site variant predicted to affect pre-mRNA splicing, which may result in an abnormal transcript and altered protein product. This variant is expected to result in nonsense mediated decay, truncation, or a dysfunctional protein product. This variant is rare in the general population with a frequency below the threshold expected for the associated phenotype(s). Another variant at this same site results in an alteration predicted to cause a similar molecular effect has been observed in individual(s) with the associated phenotype. Given the available evidence, this variant is classified as Pathogenic.

NM_000487.6(ARSA):c.979+2T>C

Gene: ARSA (arylsulfatase A; minus strand). Cytogenetic location: 22q13.33.
Variant type: single nucleotide variant.
Coding change: c.979+2T>C on transcript NM_000487.6 (MANE Select); the canonical splice donor site of the intron after coding-DNA position 979, T replaced by C.
Molecular consequence: splice donor variant.
Genome position (GRCh38, 1-based): chr22:50,626,152, A>G on the plus strand (T>C on the coding strand, the complement: ARSA is on the minus strand). VCF-style: chr22-50626152-A-G. GRCh37 (hg19) VCF-style: chr22-51064580-A-G.
Other names: c.721+2T>C (NM_001362782.2, NM_001085428.3); c.979+2T>C (NM_001085427.3, NM_001085426.3, NM_001085425.3).
Identifiers: ClinVar variation 4060877 (VCV004060877.2).
Genomic context (GRCh38, chr22:50,626,152, plus strand): 5'-AGTTCGCCATCAAGGTTGGGGTGGTGGGGCCAGGGTTCCAAGGAGAGGGCCTGCGGACTG[A>G]CCGGGAGCGATATGACCTGGCCAGAAGGCCAAGGCAGGCTCTCGGACACCGCCCTCGTAG-3'